The following is an entry in ClinVar:

ClinVar aggregate classification (germline): Benign (0 of 4 stars; one submission).

Conditions:
PTPRM-related disorder. Also called: PTPRM-related condition.

Allele frequency attached by ClinVar (database versions not stated): ESP Exome Variant Server 0.63086; 1000 Genomes Project 30x 0.63413; 1000 Genomes Project 0.63438; gnomAD 0.64555; TOPMed 0.65271; ExAC 0.68401; gnomAD exomes 0.69123.
gnomAD v4.1: 1,107,842 of 1,612,254 alleles (69%); highest among the groups gnomAD compares: Admixed American, 80%; 383,657 homozygotes.

Submission:

PreventionGenetics, part of Exact Sciences
Classification: Benign for PTPRM-related condition. Last evaluated: 2019-10-17. Review status: no assertion criteria provided. Collection method: clinical testing. Allele origin: germline.
Comment: This variant is classified as benign based on ACMG/AMP sequence variant interpretation guidelines (Richards et al. 2015 PMID: 25741868, with internal and published modifications).

NM_001105244.2(PTPRM):c.4170G>A (p.Glu1390=)

Gene: PTPRM (protein tyrosine phosphatase receptor type M; plus strand). Cytogenetic location: 18p11.23.
Variant type: single nucleotide variant.
Coding change: c.4170G>A on transcript NM_001105244.2 (MANE Select); coding-DNA position 4170, G replaced by A.
Protein change: p.Glu1390=; no amino-acid change (glutamic acid 1390 retained).
Molecular consequence: synonymous variant.
Genome position (GRCh38, 1-based): chr18:8,387,197, G>A. VCF-style: chr18-8387197-G-A. GRCh37 (hg19) VCF-style: chr18-8387195-G-A.
Other names: c.3492G>A, p.Glu1164= (NM_001378142.1); c.3531G>A, p.Glu1177= (NM_001378143.1); c.3567G>A, p.Glu1189= (NM_001378144.1); c.3606G>A, p.Glu1202= (NM_001378145.1); c.3582G>A, p.Glu1194= (NM_001378146.1); c.3657G>A, p.Glu1219= (NM_001378147.1); c.4131G>A, p.Glu1377= (NM_002845.4).
Identifiers: ClinVar variation 3060157 (VCV003060157.2), dbSNP rs593978, ClinGen allele CA8884984.
Genomic context (GRCh38, chr18:8,387,197, plus strand): 5'-ACCAGTGTCTAAGCGCTCCTTCTTGAAGCTCATTCGCCAGGTGGACAAGTGGCAAGAGGA[G>A]TACAATGGCGGGGAAGGCCGCACGGTTGTGCACTGCTTGTAAGTGCTTGACAGAGCTCTT-3'
Protein context (NP_001098714.1, residues 1380-1400): LIRQVDKWQE[Glu1390=]YNGGEGRTVV